The following is an entry in ClinVar:

NM_001377265.1(MAPT):c.220+2531G>A

Gene: MAPT (microtubule associated protein tau). Cytogenetic location: 17q21.31.
Variant type: single nucleotide variant.
Coding change: c.220+2531G>A on transcript NM_001377265.1 (MANE Select); 2531 bases into the intron after coding-DNA position 220, G replaced by A.
Molecular consequence: intron variant.
Genome position (GRCh38, 1-based): chr17:45,974,476, G>A. VCF-style: chr17-45974476-G-A. GRCh37 (hg19) VCF-style: chr17-44051842-G-A.
Other names: c.134-3899G>A (NM_001377268.1, NM_016834.5, NM_016841.5); c.307+5G>A (NM_001123066.4, NM_016835.5, NM_005910.6 and 1 more transcripts); c.220+2531G>A (NM_001377266.1, NM_001123067.4, NM_001203251.2 and 1 more transcripts).
Identifiers: ClinVar variation 1965556 (VCV001965556.5), dbSNP rs776803332, ClinGen allele CA8617601.

ClinVar aggregate classification (germline): Uncertain significance (1 of 4 stars; one submission).

Conditions:
Frontotemporal dementia (FTD1). Also called: WILHELMSEN-LYNCH DISEASE; Frontotemporal lobe dementia (FLDEM); Dementia, frontotemporal, with or without parkinsonism; Frontotemporal Dementia with Parkinsonism-17 (FTDP-17); FRONTOTEMPORAL DEMENTIA WITH PARKINSONISM; FRONTOTEMPORAL LOBE DEMENTIA. Identifiers: Orphanet 282, MedGen C0338451, MONDO:0017276, OMIM 600274, HP:0002145.

Allele frequency attached by ClinVar (database versions not stated): gnomAD exomes below 0.00001; gnomAD 0.00001; TOPMed 0.00001; ExAC 0.00002.
gnomAD v4.1: 2 of 1,598,402 alleles (0.00013%); highest among the groups gnomAD compares: Non-Finnish European, 0.000085%; no homozygotes.

Submission:

Labcorp Genetics (formerly Invitae), Labcorp
Classification: Uncertain significance for Frontotemporal dementia. Last evaluated: 2025-10-10. Review status: criteria provided, single submitter. Criteria: Invitae Variant Classification Sherloc (09022015). Collection method: clinical testing. Allele origin: germline.
Comment: This sequence change falls in intron 4 of the MAPT gene. It does not directly change the encoded amino acid sequence of the MAPT protein. It affects a nucleotide within the consensus splice site. The frequency data for this variant in the population databases is considered unreliable, as metrics indicate poor data quality at this position in the gnomAD database. This variant has not been reported in the literature in individuals affected with MAPT-related conditions. ClinVar contains an entry for this variant (Variation ID: 1965556). Variants that disrupt the consensus splice site are a relatively common cause of aberrant splicing (PMID: 17576681, 9536098). Algorithms developed to predict the effect of sequence changes on RNA splicing suggest that this variant may disrupt the consensus splice site. In summary, the available evidence is currently insufficient to determine the role of this variant in disease. Therefore, it has been classified as a Variant of Uncertain Significance.

Literature cited by the submitters: PubMed 17576681; PubMed 9536098.